The following is an entry in ClinVar:

NM_005862.3(STAG1):c.1164T>A (p.Asp388Glu)

Gene: STAG1 (STAG1 cohesin complex component; minus strand). Cytogenetic location: 3q22.3.
Variant type: single nucleotide variant.
Coding change: c.1164T>A on transcript NM_005862.3 (MANE Select); coding-DNA position 1164, T replaced by A.
Protein change: p.Asp388Glu; replaces aspartic acid 388 with glutamic acid.
Molecular consequence: missense variant.
Genome position (GRCh38, 1-based): chr3:136,472,454, A>T on the plus strand (T>A on the coding strand, the complement: STAG1 is on the minus strand). VCF-style: chr3-136472454-A-T. GRCh37 (hg19) VCF-style: chr3-136191296-A-T.
Other names: short protein forms D388E.
Identifiers: ClinVar variation 1710678 (VCV001710678.2), dbSNP rs1412845699, ClinGen allele CA354651541.

ClinVar aggregate classification (germline): Uncertain significance (1 of 4 stars; one submission).

Submission:

GeneDx
Classification: Uncertain significance. Last evaluated: 2022-04-13. Review status: criteria provided, single submitter. Criteria: GeneDx Variant Classification Process June 2021. Collection method: clinical testing. Allele origin: germline. Affected: yes.
Comment: Not observed at significant frequency in large population cohorts (gnomAD); In silico analysis supports that this missense variant does not alter protein structure/function; Has not been previously published as pathogenic or benign to our knowledge